The following is an entry in ClinVar:

ClinVar aggregate classification (germline): Conflicting classifications of pathogenicity. Review status: criteria provided, conflicting classifications (1 of 4 stars). 9 submissions from 9 submitters: Uncertain significance (7); Likely benign (2). Last evaluated 2025-10-13.

Conditions:
Hereditary cancer-predisposing syndrome. Also called: Tumor predisposition; Neoplastic Syndromes, Hereditary; Hereditary neoplastic syndrome; Hereditary Cancer Syndrome. Identifiers: Orphanet 140162, MedGen C0027672, MeSH D009386, MONDO:0015356.
Familial cancer of breast. Also called: BREAST CANCER, FAMILIAL; hereditary breast carcinoma; Hereditary breast cancer. Identifiers: Orphanet 227535, MedGen C0346153, MONDO:0016419, OMIM 114480. Disease mechanism: loss of function.
Breast-ovarian cancer, familial, susceptibility to, 2 (BROVCA2). Also called: BRCA2 Hereditary Breast and Ovarian Cancer. Identifiers: Orphanet 145, MedGen C2675520, MONDO:0012933, OMIM 612555. Disease mechanism: loss of function.
Hereditary breast ovarian cancer syndrome. Also called: Hereditary breast and ovarian cancer; BRCA1- and BRCA2-Associated Hereditary Breast and Ovarian Cancer; Hereditary breast and/or ovarian cancer syndrome; Hereditary breast and ovarian cancer syndrome; Breast and ovarian cancer; Hereditary breast and ovarian cancer syndrome (HBOC). Identifiers: Orphanet 145, MedGen C0677776, MeSH D061325, MONDO:0003582. Disease mechanism: loss of function.

Allele frequency attached by ClinVar (database versions not stated): gnomAD exomes below 0.00001.

Submissions (9):

Labcorp Genetics (formerly Invitae), Labcorp
Classification: Uncertain significance for Hereditary breast ovarian cancer syndrome. Last evaluated: 2025-10-13. Review status: criteria provided, single submitter. Criteria: Invitae Variant Classification Sherloc (09022015). Collection method: clinical testing. Allele origin: germline.
Comment: This sequence change replaces threonine, which is neutral and polar, with isoleucine, which is neutral and non-polar, at codon 64 of the BRCA2 protein (p.Thr64Ile). This variant is present in population databases (rs397507615, gnomAD 0.0009%). This missense change has been observed in individual(s) with a personal and/or family history of breast, ovarian, or pancreatic cancer (PMID: 15172753, 27882536, 29310832). ClinVar contains an entry for this variant (Variation ID: 51228). Invitae Evidence Modeling of protein sequence and biophysical properties (such as structural, functional, and spatial information, amino acid conservation, physicochemical variation, residue mobility, and thermodynamic stability) indicates that this missense variant is not expected to disrupt BRCA2 protein function with a negative predictive value of 95%. In summary, the available evidence is currently insufficient to determine the role of this variant in disease. Therefore, it has been classified as a Variant of Uncertain Significance.

Ambry Genetics
Classification: Uncertain significance for Hereditary cancer-predisposing syndrome. Last evaluated: 2025-09-08. Review status: criteria provided, single submitter. Criteria: Ambry Variant Classification Scheme 2023. Collection method: clinical testing. Allele origin: germline.
Comment: The p.T64I variant (also known as c.191C>T), located in coding exon 2 of the BRCA2 gene, results from a C to T substitution at nucleotide position 191. The threonine at codon 64 is replaced by isoleucine, an amino acid with similar properties. This amino acid position is highly conserved in available vertebrate species. In addition, the in silico prediction for this alteration is inconclusive. Based on the available evidence, the clinical significance of this variant remains unclear.

Dasa
Classification: Uncertain significance for Breast-ovarian cancer, familial, susceptibility to, 2. Last evaluated: 2025-05-21. Review status: criteria provided, single submitter. Criteria: DASA Assertion Criteria. Collection method: clinical testing. Allele origin: germline.
Comment: NM_000059.4(BRCA2):c.191C>T (p.Thr64Ile) is a missense variant that results in the substitution of threonine with isoleucine. This variant is rare in population databases. The currently available literature and clinical evidence are not sufficient to establish a definitive association between this variant and the reported condition. Therefore, this variant is classified as a variant of uncertain significance.

Color Diagnostics, LLC DBA Color Health
Classification: Likely benign for Hereditary cancer-predisposing syndrome. Last evaluated: 2024-09-17. Review status: criteria provided, single submitter. Criteria: ACMG Guidelines, 2015. Collection method: clinical testing. Allele origin: germline.

Blueprint Genetics
Classification: Likely benign. Last evaluated: 2024-08-29. Review status: criteria provided, single submitter. Criteria: ACMG Guidelines, 2015. Collection method: clinical testing. Allele origin: germline.

Baylor Genetics
Classification: Uncertain significance for Familial cancer of breast. Last evaluated: 2023-10-10. Review status: criteria provided, single submitter. Criteria: ACMG Guidelines, 2015. Collection method: clinical testing. Allele origin: unknown.

GeneDx
Classification: Uncertain significance. Last evaluated: 2021-07-01. Review status: criteria provided, single submitter. Criteria: GeneDx Variant Classification Process June 2021. Collection method: clinical testing. Allele origin: germline. Affected: yes.
Comment: Not observed at significant frequency in large population cohorts (Lek 2016); In silico analysis supports that this missense variant does not alter protein structure/function; Observed in families with breast and/or ovarian cancer (Hadjisavvas 2004, Loizidou 2017, Apessos 2018, Santonocito 2020); Also known as BRCA2 419C>T; This variant is associated with the following publications: (PMID: 15172753, 27882536, 29310832, 32438681, 32641407, 27535533)

Department of Pathology and Laboratory Medicine, Sinai Health System
Classification: Uncertain significance for Familial cancer of breast; Breast-ovarian cancer, familial, susceptibility to, 2. Last evaluated: 2021-05-04. Review status: criteria provided, single submitter. Criteria: ACMG Guidelines, 2015. Collection method: clinical testing. Allele origin: germline. Affected: yes.

Women's Health and Genetics/Laboratory Corporation of America, LabCorp
Classification: Uncertain significance. Last evaluated: 2016-03-08. Review status: criteria provided, single submitter. Criteria: LabCorp Variant Classification Summary - May 2015. Collection method: clinical testing. Allele origin: germline.
Comment: Variant summary: The c.191C>T variant affects a conserved nucleotide, resulting in amino acid change from Thr to Ile. 5/5 in-silico tools predict damaging outcome for this variant. 5/5 programs in Alamut predict that this variant does not affect normal splicing. ESE finder predicts that this variant may affect ESE site of SRp40. However, these predictions are not confirmed by experimental studies. This variant is not found in 121322 control chromosomes. In addition, one reputable database classified this variant as VUS. Because of the absence of clinical information and the lack of functional studies, the variant was classified as a variant of uncertain significance (VUS) until additional information becomes available.

Literature cited by the submitters: PubMed 15172753 (cited by 3 submitters); PubMed 27882536 (cited by Labcorp Genetics (formerly Invitae), Labcorp); PubMed 29310832 (cited by 3 submitters); PubMed 32438681 (cited by Ambry Genetics and Department of Pathology and Laboratory Medicine, Sinai Health System); PubMed 33471991 (cited by Department of Pathology and Laboratory Medicine, Sinai Health System).

NM_000059.4(BRCA2):c.191C>T (p.Thr64Ile)

Gene: BRCA2 (BRCA2 DNA repair associated; plus strand). Cytogenetic location: 13q13.1.
Variant type: single nucleotide variant.
Coding change: c.191C>T on transcript NM_000059.4 (MANE Select); coding-DNA position 191, C replaced by T.
Protein change: p.Thr64Ile; replaces threonine 64 with isoleucine.
Molecular consequence: missense variant.
Genome position (GRCh38, 1-based): chr13:32,319,200, C>T. VCF-style: chr13-32319200-C-T. GRCh37 (hg19) VCF-style: chr13-32893337-C-T.
Other names: short protein forms T64I.
Identifiers: ClinVar variation 51228 (VCV000051228.25), dbSNP rs397507615, ClinGen allele CA013923.